The following is an entry in ClinVar:

ClinVar aggregate classification (germline): Uncertain significance (1 of 4 stars; one submission).

Submission:

Labcorp Genetics (formerly Invitae), Labcorp
Classification: Uncertain significance. Last evaluated: 2021-12-28. Review status: criteria provided, single submitter. Criteria: Invitae Variant Classification Sherloc (09022015). Collection method: clinical testing. Allele origin: germline.
Comment: This sequence change falls in intron 5 of the PROM1 gene. It does not directly change the encoded amino acid sequence of the PROM1 protein. This variant is not present in population databases (gnomAD no frequency). This variant has been observed in individual(s) with autosomal recessive cone-rod dystrophy (Invitae). Algorithms developed to predict the effect of sequence changes on RNA splicing suggest that this variant may disrupt the consensus splice site. In summary, the available evidence is currently insufficient to determine the role of this variant in disease. Therefore, it has been classified as a Variant of Uncertain Significance.

NM_006017.3(PROM1):c.631-10_631-8del

Gene: PROM1 (prominin 1; minus strand). Cytogenetic location: 4p15.32.
Variant type: Deletion.
Coding change: c.631-10_631-8del on transcript NM_006017.3 (MANE Select); 10 bases into the intron before coding-DNA position 631 through 8 bases into the intron before coding-DNA position 631, 3 bases deleted (CTT; older notation c.631-10_631-8delCTT).
Molecular consequence: intron variant.
Genome position (GRCh38, 1-based): chr4:16,024,366-16,024,368, AAG deleted on the plus strand (CTT on the coding strand, the reverse complement: PROM1 is on the minus strand); deleting any 3 consecutive bases within chr4:16,024,366-16,024,370 gives the same sequence; the c. name uses the placement nearest the transcript's 3' end. VCF-style (leftmost placement, unchanged base first): chr4-16024365-AAAG-A. GRCh37 (hg19) VCF-style: chr4-16025988-AAAG-A.
Other names: c.604-10_604-8del (NM_001145848.2, NM_001145852.2, NM_001145847.2 and 4 more transcripts); c.631-10_631-8del (NM_001145850.2, NM_001145849.2).
Identifiers: ClinVar variation 2063641 (VCV002063641.4), dbSNP rs2530593080, ClinGen allele CA2580070880.